The following is an entry in ClinVar:

NM_021224.6(ZNF462):c.3748G>A (p.Val1250Ile)

Gene: ZNF462 (zinc finger protein 462; plus strand). Cytogenetic location: 9q31.2.
Variant type: single nucleotide variant.
Coding change: c.3748G>A on transcript NM_021224.6 (MANE Select); coding-DNA position 3748, G replaced by A.
Protein change: p.Val1250Ile; replaces valine 1250 with isoleucine.
Molecular consequence: missense variant. On other transcripts: intron variant (1).
Genome position (GRCh38, 1-based): chr9:106,927,660, G>A. VCF-style: chr9-106927660-G-A. GRCh37 (hg19) VCF-style: chr9-109689941-G-A.
Other names: c.3252+496G>A (NM_001347997.2); c.3748G>A (NM_021224.5); short protein forms V1250I.
Identifiers: ClinVar variation 2253160 (VCV002253160.4), dbSNP rs149278729, ClinGen allele CA5171713.

ClinVar aggregate classification (germline): Likely benign. Review status: criteria provided, single submitter (1 of 4 stars). 2 submissions from 2 submitters: Likely benign (1). 1 of the submissions does not count toward it. Last evaluated 2021-10-05.

Conditions:
Inborn genetic diseases. Identifiers: MedGen C0950123, MeSH D030342.
ZNF462-related disorder. Also called: ZNF462-related condition; ZNF462 related disease.

Allele frequency attached by ClinVar (database versions not stated): ExAC 0.00004; ESP Exome Variant Server 0.00008.
gnomAD v4.1: 33 of 1,613,956 alleles (0.002%); highest among the groups gnomAD compares: African/African-American, 0.04%; no homozygotes.

Submissions (2):

Ambry Genetics
Classification: Likely benign for Inborn genetic diseases. Last evaluated: 2021-10-05. Review status: criteria provided, single submitter. Criteria: Ambry Variant Classification Scheme 2023. Collection method: clinical testing. Allele origin: germline.

PreventionGenetics, part of Exact Sciences
Classification: Likely benign for ZNF462-related condition. Last evaluated: 2023-08-21. Review status: no assertion criteria provided. Collection method: clinical testing. Allele origin: germline. Not counted in ClinVar's aggregate classification.
Comment: This variant is classified as likely benign based on ACMG/AMP sequence variant interpretation guidelines (Richards et al. 2015 PMID: 25741868, with internal and published modifications).